The following is an entry in ClinVar:

NM_001393769.1(MED12L):c.-98A>G

Gene: MED12L (mediator complex subunit 12L; plus strand). Cytogenetic location: 3q25.1.
Variant type: single nucleotide variant.
Coding change: c.-98A>G on transcript NM_001393769.1 (MANE Select); 98 bases upstream of the start codon, A replaced by G.
Molecular consequence: 5 prime UTR variant.
Genome position (GRCh38, 1-based): chr3:151,086,829, A>G. VCF-style: chr3-151086829-A-G. GRCh37 (hg19) VCF-style: chr3-150804616-A-G.
Other names: c.-98A>G (NM_053002.6).
Identifiers: ClinVar variation 4533469 (VCV004533469.6).

ClinVar aggregate classification (germline): Benign (1 of 4 stars; one submission).

gnomAD v4.1: 7,154 of 888,832 alleles (0.8%); highest among the groups gnomAD compares: Non-Finnish European, 1.1%; 48 homozygotes.

Submission:

CeGaT Center for Human Genetics Tuebingen
Classification: Benign. Last evaluated: 2026-06-01. Review status: criteria provided, single submitter. Criteria: CeGaT Center For Human Genetics Tuebingen Variant Classification Criteria Version 2. Collection method: clinical testing. Allele origin: germline. Affected: yes. Observed: 3 variant alleles.
Comment: MED12L: BS1, BS2